The following is an entry in ClinVar:

NM_003076.5(SMARCD1):c.1358A>G (p.Asn453Ser)

Gene: SMARCD1 (SWI/SNF related BAF chromatin remodeling complex subunit D1; plus strand). Cytogenetic location: 12q13.12.
Variant type: single nucleotide variant.
Coding change: c.1358A>G on transcript NM_003076.5 (MANE Select); coding-DNA position 1358, A replaced by G.
Protein change: p.Asn453Ser; replaces asparagine 453 with serine.
Molecular consequence: missense variant. On other transcripts: intron variant (1).
Genome position (GRCh38, 1-based): chr12:50,096,938, A>G. VCF-style: chr12-50096938-A-G. GRCh37 (hg19) VCF-style: chr12-50490721-A-G.
Other names: c.1270-1776A>G (NM_139071.3); short protein forms N453S.
Identifiers: ClinVar variation 5017656 (VCV005017656.1).

ClinVar aggregate classification (germline): Uncertain significance (1 of 4 stars; one submission).

gnomAD v4.1: 2 of 1,614,094 alleles (0.00012%); highest among the groups gnomAD compares: Non-Finnish European, 0.00017%; no homozygotes.

Submission:

GeneDx
Classification: Uncertain significance. Last evaluated: 2026-03-26. Review status: criteria provided, single submitter. Criteria: GeneDx Variant Classification Process June 2021. Collection method: clinical testing. Allele origin: germline.
Comment: Not observed at significant frequency in large population cohorts (gnomAD); In silico analysis suggests that this missense variant does not alter protein structure/function; Has not been previously published as pathogenic or benign to our knowledge